The following is an entry in ClinVar:

ClinVar aggregate classification (germline): Conflicting classifications of pathogenicity. Review status: criteria provided, conflicting classifications (1 of 4 stars). 4 submissions from 4 submitters: Uncertain significance (1); Benign (1); Likely benign (1). 1 of the submissions does not count toward it. Last evaluated 2025-04-18.

Conditions:
PIEZO1-related disorder. Also called: PIEZO1-related condition; PIEZO1-Related Disorders.

Allele frequency attached by ClinVar (database versions not stated): ExAC 0.00023; gnomAD 0.00045; 1000 Genomes Project 30x 0.00094; 1000 Genomes Project 0.00120.
gnomAD v4.1: 132 of 1,548,898 alleles (0.0085%); highest among the groups gnomAD compares: African/African-American, 0.17%; no homozygotes.

Submissions (4):

Labcorp Genetics (formerly Invitae), Labcorp
Classification: Benign. Last evaluated: 2025-04-18. Review status: criteria provided, single submitter. Criteria: Invitae Variant Classification Sherloc (09022015). Collection method: clinical testing. Allele origin: germline.

GeneDx
Classification: Uncertain significance. Last evaluated: 2023-03-15. Review status: criteria provided, single submitter. Criteria: GeneDx Variant Classification Process June 2021. Collection method: clinical testing. Allele origin: germline. Affected: yes.
Comment: In silico analysis supports that this missense variant has a deleterious effect on protein structure/function; Has not been previously published as pathogenic or benign to our knowledge

ARUP Laboratories, Molecular Genetics and Genomics, ARUP Laboratories
Classification: Likely benign. Last evaluated: 2022-04-06. Review status: criteria provided, single submitter. Criteria: ARUP Molecular Germline Variant Investigation Process 2021. Collection method: clinical testing. Allele origin: germline.

PreventionGenetics, part of Exact Sciences
Classification: Likely benign for PIEZO1-related condition. Last evaluated: 2023-08-04. Review status: no assertion criteria provided. Collection method: clinical testing. Allele origin: germline. Not counted in ClinVar's aggregate classification.
Comment: This variant is classified as likely benign based on ACMG/AMP sequence variant interpretation guidelines (Richards et al. 2015 PMID: 25741868, with internal and published modifications).

NM_001142864.4(PIEZO1):c.6886A>C (p.Thr2296Pro)

Gene: PIEZO1 (piezo type mechanosensitive ion channel component 1 (Er blood group); minus strand). Cytogenetic location: 16q24.3.
Variant type: single nucleotide variant.
Coding change: c.6886A>C on transcript NM_001142864.4 (MANE Select); coding-DNA position 6886, A replaced by C.
Protein change: p.Thr2296Pro; replaces threonine 2296 with proline.
Molecular consequence: missense variant.
Genome position (GRCh38, 1-based): chr16:88,716,599, T>G on the plus strand (A>C on the coding strand, the complement: PIEZO1 is on the minus strand). VCF-style: chr16-88716599-T-G. GRCh37 (hg19) VCF-style: chr16-88783007-T-G.
Other names: c.6886A>C (NM_001142864.2, NM_001142864.3); c.5428A>C, p.Thr1810Pro (NM_014745.1); short protein forms T1810P, T2296P.
Identifiers: ClinVar variation 2428516 (VCV002428516.9), dbSNP rs573353481, ClinGen allele CA8231465.